The following is an entry in ClinVar:

NM_000275.3(OCA2):c.1717C>T (p.Arg573Cys)

Gene: OCA2 (OCA2 melanosomal transmembrane protein; minus strand). Cytogenetic location: 15q13.1.
Variant type: single nucleotide variant.
Coding change: c.1717C>T on transcript NM_000275.3 (MANE Select); coding-DNA position 1717, C replaced by T.
Protein change: p.Arg573Cys; replaces arginine 573 with cysteine.
Molecular consequence: missense variant.
Genome position (GRCh38, 1-based): chr15:27,957,655, G>A on the plus strand (C>T on the coding strand, the complement: OCA2 is on the minus strand). VCF-style: chr15-27957655-G-A. GRCh37 (hg19) VCF-style: chr15-28202801-G-A.
Other names: c.1645C>T, p.Arg549Cys (NM_001300984.2); short protein forms R549C, R573C.
Identifiers: ClinVar variation 1417297 (VCV001417297.4), dbSNP rs140556122, ClinGen allele CA7438937.
Genomic context (GRCh38, chr15:27,957,655, plus strand): 5'-AGGTGTGCAGCCTCCGGGCGAGCAGGTGCTCCAGTGCCAGCACCTTCCCCAGCAGCAGGC[G>A]GCGCACAGCTGTCTCCTCGCGGCTGGCCGGGCTGATGCGCTGAGCAGTCAGGCGCCAGAC-3'
Protein context (NP_000266.2, residues 563-583): PASREETAVR[Arg573Cys]LLLGKVLALE

ClinVar aggregate classification (germline): Uncertain significance (1 of 4 stars; one submission).

Allele frequency attached by ClinVar (database versions not stated): gnomAD exomes 0.00004; ExAC 0.00005; ESP Exome Variant Server 0.00008; 1000 Genomes Project 30x 0.00016; TOPMed 0.00018; 1000 Genomes Project 0.00020; gnomAD 0.00021 and 0.00022.
gnomAD v4.1: 71 of 1,613,054 alleles (0.0044%); highest among the groups gnomAD compares: African/African-American, 0.064%; no homozygotes.

Submission:

Labcorp Genetics (formerly Invitae), Labcorp
Classification: Uncertain significance. Last evaluated: 2024-09-11. Review status: criteria provided, single submitter. Criteria: Invitae Variant Classification Sherloc (09022015). Collection method: clinical testing. Allele origin: germline.
Comment: This sequence change replaces arginine, which is basic and polar, with cysteine, which is neutral and slightly polar, at codon 573 of the OCA2 protein (p.Arg573Cys). This variant is present in population databases (rs140556122, gnomAD 0.06%). This variant has not been reported in the literature in individuals affected with OCA2-related conditions. ClinVar contains an entry for this variant (Variation ID: 1417297). Invitae Evidence Modeling of protein sequence and biophysical properties (such as structural, functional, and spatial information, amino acid conservation, physicochemical variation, residue mobility, and thermodynamic stability) indicates that this missense variant is not expected to disrupt OCA2 protein function with a negative predictive value of 80%. In summary, the available evidence is currently insufficient to determine the role of this variant in disease. Therefore, it has been classified as a Variant of Uncertain Significance.